The following is an entry in ClinVar:

ClinVar aggregate classification (germline): Uncertain significance (1 of 4 stars; one submission).

Submission:

Labcorp Genetics (formerly Invitae), Labcorp
Classification: Uncertain significance. Last evaluated: 2021-06-13. Review status: criteria provided, single submitter. Criteria: Invitae Variant Classification Sherloc (09022015). Collection method: clinical testing. Allele origin: germline.
Comment: This sequence change replaces proline with leucine at codon 72 of the IRF2BP2 protein (p.Pro72Leu). The proline residue is moderately conserved and there is a moderate physicochemical difference between proline and leucine. The frequency data for this variant in the population databases is considered unreliable, as metrics indicate insufficient coverage at this position in the ExAC database. In summary, the available evidence is currently insufficient to determine the role of this variant in disease. Therefore, it has been classified as a Variant of Uncertain Significance. Algorithms developed to predict the effect of missense changes on protein structure and function are either unavailable or do not agree on the potential impact of this missense change (SIFT: "Tolerated"; PolyPhen-2: "Possibly Damaging"; Align-GVGD: "Class C0"). This variant has not been reported in the literature in individuals with IRF2BP2-related conditions.

NM_182972.3(IRF2BP2):c.215C>T (p.Pro72Leu)

Gene: IRF2BP2 (interferon regulatory factor 2 binding protein 2; minus strand). Cytogenetic location: 1q42.3.
Variant type: single nucleotide variant.
Coding change: c.215C>T on transcript NM_182972.3 (MANE Select); coding-DNA position 215, C replaced by T.
Protein change: p.Pro72Leu; replaces proline 72 with leucine.
Molecular consequence: missense variant.
Genome position (GRCh38, 1-based): chr1:234,609,280, G>A on the plus strand (C>T on the coding strand, the complement: IRF2BP2 is on the minus strand). VCF-style: chr1-234609280-G-A. GRCh37 (hg19) VCF-style: chr1-234745026-G-A.
Other names: c.215C>T, p.Pro72Leu (NM_001077397.1); short protein forms P72L.
Identifiers: ClinVar variation 1360667 (VCV001360667.8), dbSNP rs1239988408, ClinGen allele CA345311566.